The following is an entry in ClinVar:

ClinVar aggregate classification (germline): Uncertain significance (0 of 4 stars; one submission).

Conditions:
BBS9-related disorder. Also called: BBS9-related condition.

gnomAD v4.1: 2 of 1,614,162 alleles (0.00012%); highest among the groups gnomAD compares: Non-Finnish European, 0.000085%; no homozygotes.

Submission:

PreventionGenetics, part of Exact Sciences
Classification: Uncertain significance for BBS9-related condition. Last evaluated: 2024-08-21. Review status: no assertion criteria provided. Collection method: clinical testing. Allele origin: germline.
Comment: The BBS9 c.76T>C variant is predicted to result in the amino acid substitution p.Cys26Arg. To our knowledge, this variant has not been reported in the literature or in a large population database, indicating this variant is rare. At this time, the clinical significance of this variant is uncertain due to the absence of conclusive functional and genetic evidence.

NM_198428.3(BBS9):c.76T>C (p.Cys26Arg)

Gene: BBS9 (Bardet-Biedl syndrome 9; plus strand). Cytogenetic location: 7p14.3.
Variant type: single nucleotide variant.
Coding change: c.76T>C on transcript NM_198428.3 (MANE Select); coding-DNA position 76, T replaced by C.
Protein change: p.Cys26Arg; replaces cysteine 26 with arginine.
Molecular consequence: missense variant. On other transcripts: 5 prime UTR variant (3), non-coding transcript variant (3), intron variant (4).
Genome position (GRCh38, 1-based): chr7:33,146,328, T>C. VCF-style: chr7-33146328-T-C. GRCh37 (hg19) VCF-style: chr7-33185940-T-C.
Other names: c.76T>C, p.Cys26Arg (NM_001033604.2, NM_001033605.2, NM_001348036.1 and 5 more transcripts); c.-226T>C (NM_001348037.3); c.-202T>C (NM_001348038.3, NM_001348039.3); c.-23-6373T>C (NM_001348042.3); c.-189-6373T>C (NM_001348045.3); c.-39+16287T>C (NM_001348046.3, NM_001348044.3); short protein forms C26R.
Identifiers: ClinVar variation 3357002 (VCV003357002.1).